The following is an entry in ClinVar:

NM_020549.5(CHAT):c.451C>T (p.Arg151Ter)

Gene: CHAT (choline O-acetyltransferase; plus strand). Cytogenetic location: 10q11.23.
Variant type: single nucleotide variant.
Coding change: c.451C>T on transcript NM_020549.5 (MANE Select); coding-DNA position 451, C replaced by T.
Protein change: p.Arg151Ter; replaces arginine 151 with a stop codon.
Molecular consequence: nonsense.
Genome position (GRCh38, 1-based): chr10:49,619,788, C>T. VCF-style: chr10-49619788-C-T. GRCh37 (hg19) VCF-style: chr10-50827834-C-T.
Other names: c.97C>T, p.Arg33Ter (NM_020984.4, NM_020985.4, NM_020986.4 and 2 more transcripts); c.205C>T, p.Arg69Ter (NM_001142933.2); short protein forms R151*, R33*, R69*.
Identifiers: ClinVar variation 1804816 (VCV001804816.11), dbSNP rs777679246, ClinGen allele CA376726818.

ClinVar aggregate classification (germline): Pathogenic/Likely pathogenic. Review status: criteria provided, multiple submitters, no conflicts (2 of 4 stars). 5 submissions from 5 submitters: Pathogenic (2); Likely pathogenic (3). Last evaluated 2024-10-03.

Conditions:
Congenital myasthenic syndrome (CMS). Also called: Congenital Myasthenic Syndromes. Identifiers: Orphanet 590, MedGen C0751882, MeSH D020294, MONDO:0018940.
Familial infantile myasthenia (CMS6). Also called: MYASTHENIC SYNDROME, PRESYNAPTIC, CONGENITAL, ASSOCIATED WITH EPISODIC APNEA; MYASTHENIC SYNDROME, CONGENITAL, 6, PRESYNAPTIC; Congenital myasthenic syndrome type 6. Identifiers: Orphanet 590, MedGen C0393929, MONDO:0009689, OMIM 254210.

Submissions (5):

Dasa
Classification: Likely pathogenic. Last evaluated: 2024-10-03. Review status: criteria provided, single submitter. Criteria: DASA Assertion Criteria. Collection method: clinical testing. Allele origin: germline.
Comment: NM_020549.5(CHAT):c.451C>T (p.Arg151*) is a nonsense variant in CHAT predicted to introduce a premature termination codon and is predicted to result in an absent or altered protein product. Loss of function is an established disease mechanism for CHAT-associated disorders. Also, this variant is rare in population databases. Based on the currently available evidence, this variant is classified as likely pathogenic.

Genomic Medicine Center of Excellence, King Faisal Specialist Hospital and Research Centre
Classification: Pathogenic. Last evaluated: 2024-01-18. Review status: criteria provided, single submitter. Criteria: ACMG Guidelines, 2015. Collection method: research. Allele origin: germline.

Baylor Genetics
Classification: Likely pathogenic for Familial infantile myasthenia. Last evaluated: 2023-05-20. Review status: criteria provided, single submitter. Criteria: ACMG Guidelines, 2015. Collection method: clinical testing. Allele origin: unknown.

Women's Health and Genetics/Laboratory Corporation of America, LabCorp
Classification: Likely pathogenic for Congenital myasthenic syndrome. Last evaluated: 2022-11-30. Review status: criteria provided, single submitter. Criteria: LabCorp Variant Classification Summary - May 2015. Collection method: clinical testing. Allele origin: germline.
Comment: Variant summary: CHAT c.451C>T (p.Arg151X) results in a premature termination codon, predicted to cause a truncation of the encoded protein or absence of the protein due to nonsense mediated decay, which are commonly known mechanisms for disease. Truncations downstream of this position have been classified as likely pathogenic by our laboratory. The variant allele was found at a frequency of 8e-06 in 251012 control chromosomes. c.451C>T has been reported in the literature in at least one individual affected with congenital heart disease (e.g. Jin_2017, Edwards_2020). These report(s) do not provide conclusions about association of the variant with Congenital Myasthenic Syndrome. To our knowledge, no experimental evidence demonstrating an impact on protein function has been reported. No clinical diagnostic laboratories have submitted clinical-significance assessments for this variant to ClinVar after 2014. Based on the evidence outlined above, the variant was classified as likely pathogenic.

Labcorp Genetics (formerly Invitae), Labcorp
Classification: Pathogenic for Familial infantile myasthenia. Last evaluated: 2022-05-25. Review status: criteria provided, single submitter. Criteria: Invitae Variant Classification Sherloc (09022015). Collection method: clinical testing. Allele origin: germline.
Comment: This variant is present in population databases (no rsID available, gnomAD 0.007%). This sequence change creates a premature translational stop signal (p.Arg151*) in the CHAT gene. It is expected to result in an absent or disrupted protein product. Loss-of-function variants in CHAT are known to be pathogenic (PMID: 12548525, 21786365, 23292760). For these reasons, this variant has been classified as Pathogenic. This variant has not been reported in the literature in individuals affected with CHAT-related conditions.

Literature cited by the submitters: PubMed 28991257 (cited by Women's Health and Genetics/Laboratory Corporation of America, LabCorp); PubMed 32368696 (cited by Women's Health and Genetics/Laboratory Corporation of America, LabCorp); PubMed 12548525 (cited by Labcorp Genetics (formerly Invitae), Labcorp); PubMed 21786365 (cited by Labcorp Genetics (formerly Invitae), Labcorp); PubMed 23292760 (cited by Labcorp Genetics (formerly Invitae), Labcorp).